The following is an entry in ClinVar:

NM_000179.3(MSH6):c.2147C>T (p.Thr716Ile)

Gene: MSH6 (mutS homolog 6; plus strand). Cytogenetic location: 2p16.3.
Variant type: single nucleotide variant.
Coding change: c.2147C>T on transcript NM_000179.3 (MANE Select); coding-DNA position 2147, C replaced by T.
Protein change: p.Thr716Ile; replaces threonine 716 with isoleucine.
Molecular consequence: missense variant.
Genome position (GRCh38, 1-based): chr2:47,800,130, C>T. VCF-style: chr2-47800130-C-T. GRCh37 (hg19) VCF-style: chr2-48027269-C-T.
Other names: p.T716I:ACA>ATA; c.1757C>T, p.Thr586Ile (NM_001281492.2); c.1241C>T, p.Thr414Ile (NM_001281493.2, NM_001281494.2); short protein forms T716I, T414I, T586I.
Identifiers: ClinVar variation 142897 (VCV000142897.27), dbSNP rs587782805, ClinGen allele CA009755.

ClinVar aggregate classification (germline): Conflicting classifications of pathogenicity. Review status: criteria provided, conflicting classifications (1 of 4 stars). 7 submissions from 7 submitters: Uncertain significance (4); Likely benign (2). 1 of the submissions does not count toward it. Last evaluated 2025-12-18.

Conditions:
Hereditary nonpolyposis colorectal neoplasms. Identifiers: MedGen C0009405, MeSH D003123.
Hereditary cancer-predisposing syndrome. Also called: Hereditary Cancer Syndrome; Neoplastic Syndromes, Hereditary; Hereditary neoplastic syndrome; Tumor predisposition. Identifiers: Orphanet 140162, MedGen C0027672, MeSH D009386, MONDO:0015356.
Lynch syndrome. Identifiers: Orphanet 144, MedGen C4552100, MONDO:0005835. Disease mechanism: loss of function.
Lynch syndrome 5 (LYNCH5). Also called: Colorectal cancer, hereditary nonpolyposis, type 5; Hereditary non-polyposis colorectal cancer, type 5. Identifiers: Orphanet 144, MedGen C1833477, MONDO:0013710, OMIM 614350. Disease mechanism: loss of function.

Allele frequency attached by ClinVar (database versions not stated): TOPMed below 0.00001; gnomAD 0.00001.
gnomAD v4.1: 2 of 1,613,970 alleles (0.00012%); highest among the groups gnomAD compares: Admixed American, 0.0017%; no homozygotes.

Submissions (7):

Labcorp Genetics (formerly Invitae), Labcorp
Classification: Likely benign for Hereditary nonpolyposis colorectal neoplasms. Last evaluated: 2025-12-18. Review status: criteria provided, single submitter. Criteria: Invitae Variant Classification Sherloc (09022015). Collection method: clinical testing. Allele origin: germline.

All of Us Research Program, National Institutes of Health
Classification: Uncertain significance for Lynch syndrome. Last evaluated: 2023-12-01. Review status: criteria provided, single submitter. Criteria: ACMG Guidelines, 2015. Collection method: clinical testing. Allele origin: germline. Inheritance: Autosomal dominant inheritance. Observed: 3 variant alleles, 3 heterozygotes.
Comment: This missense variant replaces threonine with isoleucine at codon 716 of the MSH6 protein. Computational prediction suggests that this variant may not impact protein structure and function (internally defined REVEL score threshold <= 0.5, PMID: 27666373). To our knowledge, functional studies have not been reported for this variant. This variant has been reported in individuals affected with pancreatic cancer (PMID: 28767289, 32659497) and breast cancer (PMID: 25186627). This variant has been identified in 1/31398 chromosomes in the general population by the Genome Aggregation Database (gnomAD). The available evidence is insufficient to determine the role of this variant in disease conclusively. Therefore, this variant is classified as a Variant of Uncertain Significance.

This study involves interpretation of variants in research participants for the purpose of population health screening. Participant phenotype was not available at the time of variant classification. Additional details can be found in publication PMID: 35346344, PMCID: PMC8962531

Myriad Genetics, Inc.
Classification: Uncertain significance for Lynch syndrome 5. Last evaluated: 2023-03-29. Review status: criteria provided, single submitter. Criteria: Myriad Autosomal Dominant, Autosomal Recessive and X-Linked Classification Criteria (2023). Collection method: clinical testing. Allele origin: unknown.
Comment: This variant is classified as a variant of uncertain significance as there is insufficient evidence to determine its impact on protein function and/or cancer risk.

Color Diagnostics, LLC DBA Color Health
Classification: Uncertain significance for Hereditary cancer-predisposing syndrome. Last evaluated: 2023-01-26. Review status: criteria provided, single submitter. Criteria: ACMG Guidelines, 2015. Collection method: clinical testing. Allele origin: germline.
Comment: This missense variant replaces threonine with isoleucine at codon 716 of the MSH6 protein. Computational prediction suggests that this variant may not impact protein structure and function (internally defined REVEL score threshold <= 0.5, PMID: 27666373). To our knowledge, functional studies have not been reported for this variant. This variant has been reported in individuals affected with pancreatic cancer (PMID: 28767289, 32659497) and breast cancer (PMID: 25186627). This variant has been identified in 1/31398 chromosomes in the general population by the Genome Aggregation Database (gnomAD). The available evidence is insufficient to determine the role of this variant in disease conclusively. Therefore, this variant is classified as a Variant of Uncertain Significance.

GeneDx
Classification: Uncertain significance. Last evaluated: 2021-03-10. Review status: criteria provided, single submitter. Criteria: GeneDx Variant Classification Process June 2021. Collection method: clinical testing. Allele origin: germline. Affected: yes.
Comment: Not observed at a significant frequency in large population cohorts (Lek 2016); In silico analysis, which includes protein predictors and evolutionary conservation, supports that this variant does not alter protein structure/function; Observed in individuals with breast or pancreatic cancer (Tung 2015, Shindo 2017, Hu 2020); This variant is associated with the following publications: (PMID: 28767289, 25186627, 32659497)

Ambry Genetics
Classification: Likely benign for Hereditary cancer-predisposing syndrome. Last evaluated: 2019-03-22. Review status: criteria provided, single submitter. Criteria: Ambry Variant Classification Scheme 2023. Collection method: clinical testing. Allele origin: germline.

Counsyl
Classification: Uncertain significance for Lynch syndrome 5. Last evaluated: 2016-02-12. Review status: no assertion criteria provided. Collection method: clinical testing. Allele origin: unknown. Not counted in ClinVar's aggregate classification.

Literature cited by the submitters: PubMed 25186627 (cited by 3 submitters); PubMed 28767289 (cited by All of Us Research Program, National Institutes of Health and Color Diagnostics, LLC DBA Color Health); PubMed 32659497 (cited by All of Us Research Program, National Institutes of Health and Color Diagnostics, LLC DBA Color Health).